The following is an entry in ClinVar:

NM_004341.5(CAD):c.4982G>A (p.Arg1661Gln)

Gene: CAD (carbamoyl-phosphate synthetase 2, aspartate transcarbamylase, and dihydroorotase; plus strand). Cytogenetic location: 2p23.3.
Variant type: single nucleotide variant.
Coding change: c.4982G>A on transcript NM_004341.5 (MANE Select); coding-DNA position 4982, G replaced by A.
Protein change: p.Arg1661Gln; replaces arginine 1661 with glutamine.
Molecular consequence: missense variant.
Genome position (GRCh38, 1-based): chr2:27,238,552, G>A. VCF-style: chr2-27238552-G-A. GRCh37 (hg19) VCF-style: chr2-27461420-G-A.
Other names: c.4793G>A, p.Arg1598Gln (NM_001306079.2); c.4982G>A (NM_004341.3); short protein forms R1598Q, R1661Q.
Identifiers: ClinVar variation 1499826 (VCV001499826.8), dbSNP rs759512634, ClinGen allele CA1573714.

ClinVar aggregate classification (germline): Uncertain significance. Review status: criteria provided, multiple submitters, no conflicts (2 of 4 stars). 3 submissions from 3 submitters: Uncertain significance (3). Last evaluated 2024-01-23.

Conditions:
Inborn genetic diseases. Identifiers: MedGen C0950123, MeSH D030342.

Allele frequency attached by ClinVar (database versions not stated): ExAC 0.00002; gnomAD 0.00003 and 0.00004; gnomAD exomes 0.00003; TOPMed 0.00003.
gnomAD v4.1: 23 of 1,613,994 alleles (0.0014%); highest among the groups gnomAD compares: East Asian, 0.013%; no homozygotes.

Submissions (3):

Ambry Genetics
Classification: Uncertain significance for Inborn genetic diseases. Last evaluated: 2024-01-23. Review status: criteria provided, single submitter. Criteria: Ambry Variant Classification Scheme 2023. Collection method: clinical testing. Allele origin: germline.

Labcorp Genetics (formerly Invitae), Labcorp
Classification: Uncertain significance. Last evaluated: 2024-01-02. Review status: criteria provided, single submitter. Criteria: Invitae Variant Classification Sherloc (09022015). Collection method: clinical testing. Allele origin: germline.
Comment: This sequence change replaces arginine, which is basic and polar, with glutamine, which is neutral and polar, at codon 1661 of the CAD protein (p.Arg1661Gln). This variant is present in population databases (rs759512634, gnomAD 0.02%). This variant has not been reported in the literature in individuals affected with CAD-related conditions. ClinVar contains an entry for this variant (Variation ID: 1499826). An algorithm developed to predict the effect of missense changes on protein structure and function (PolyPhen-2) suggests that this variant¬†is likely to be tolerated. In summary, the available evidence is currently insufficient to determine the role of this variant in disease. Therefore, it has been classified as a Variant of Uncertain Significance.

GeneDx
Classification: Uncertain significance. Last evaluated: 2023-06-01. Review status: criteria provided, single submitter. Criteria: GeneDx Variant Classification Process June 2021. Collection method: clinical testing. Allele origin: germline. Affected: yes.
Comment: In silico analysis supports that this missense variant does not alter protein structure/function; Has not been previously published as pathogenic or benign to our knowledge